The following is an entry in ClinVar:

ClinVar aggregate classification (germline): Likely pathogenic (1 of 4 stars; one submission).

gnomAD v4.1: 1 of 1,585,990 alleles (0.000063%); no homozygotes.

Submission:

Labcorp Genetics (formerly Invitae), Labcorp
Classification: Likely pathogenic. Last evaluated: 2024-10-19. Review status: criteria provided, single submitter. Criteria: Invitae Variant Classification Sherloc (09022015). Collection method: clinical testing. Allele origin: germline.
Comment: This sequence change affects an acceptor splice site in intron 20 of the DOCK6 gene. It is expected to disrupt RNA splicing. Variants that disrupt the donor or acceptor splice site typically lead to a loss of protein function (PMID: 16199547), and loss-of-function variants in DOCK6 are known to be pathogenic (PMID: 21820096, 25824905). This variant is present in population databases (rs764883428, gnomAD 0.001%). This variant has not been reported in the literature in individuals affected with DOCK6-related conditions. Algorithms developed to predict the effect of sequence changes on RNA splicing suggest that this variant may disrupt the consensus splice site. In summary, the currently available evidence indicates that the variant is pathogenic, but additional data are needed to prove that conclusively. Therefore, this variant has been classified as Likely Pathogenic.

Literature cited by the submitters: PubMed 16199547; PubMed 21820096; PubMed 25824905.

NM_020812.4(DOCK6):c.2393-2A>C

Gene: DOCK6 (dedicator of cytokinesis 6; minus strand). Cytogenetic location: 19p13.2.
Variant type: single nucleotide variant.
Coding change: c.2393-2A>C on transcript NM_020812.4 (MANE Select); the canonical splice acceptor site of the intron before coding-DNA position 2393, A replaced by C.
Molecular consequence: splice acceptor variant.
Genome position (GRCh38, 1-based): chr19:11,235,761, T>G on the plus strand (A>C on the coding strand, the complement: DOCK6 is on the minus strand). VCF-style: chr19-11235761-T-G. GRCh37 (hg19) VCF-style: chr19-11346437-T-G.
Other names: c.2393-2A>C (NM_001367830.1).
Identifiers: ClinVar variation 3717270 (VCV003717270.2).